The following is an entry in ClinVar:

ClinVar aggregate classification (germline): Pathogenic/Likely pathogenic. Review status: criteria provided, multiple submitters, no conflicts (2 of 4 stars). 2 submissions from 2 submitters: Pathogenic (1); Likely pathogenic (1). Last evaluated 2026-01-29.

Conditions:
Multiple acyl-CoA dehydrogenase deficiency (MADD). Also called: ETHYLMALONIC-ADIPICACIDURIA; GA II; Glutaric aciduria, type 2; Glutaric acidemia type II; GA 2; Glutaric Acidemia type 2. Identifiers: Orphanet 26791, MedGen C0268596, MONDO:0009282, OMIM 231680.
Glutaric acidemia type 2C.

Allele frequency attached by ClinVar (database versions not stated): TOPMed below 0.00001.

Submissions (2):

Natera, Inc.
Classification: Pathogenic for Glutaric acidemia type 2C. Last evaluated: 2026-01-29. Review status: criteria provided, single submitter. Criteria: Natera Variant Classification Schema (03/2026). Collection method: clinical testing. Allele origin: germline.
Comment: The c.831+2T>G variant in ETFDH is a canonical splice donor site variant predicted to affect pre-mRNA splicing, which may result in an abnormal transcript and altered protein product. This variant is expected to result in nonsense mediated decay, truncation, or a dysfunctional protein product. This variant is rare in the general population with a frequency below the threshold expected for the associated phenotype(s). Another variant at this same site results in an alteration predicted to cause a similar molecular effect has been observed in individual(s) with the associated phenotype. Given the available evidence, this variant is classified as Pathogenic.

Labcorp Genetics (formerly Invitae), Labcorp
Classification: Likely pathogenic for Multiple acyl-CoA dehydrogenase deficiency. Last evaluated: 2024-10-29. Review status: criteria provided, single submitter. Criteria: Invitae Variant Classification Sherloc (09022015). Collection method: clinical testing. Allele origin: germline.
Comment: This sequence change affects a donor splice site in intron 7 of the ETFDH gene. It is expected to disrupt RNA splicing. Variants that disrupt the donor or acceptor splice site typically lead to a loss of protein function (PMID: 16199547), and loss-of-function variants in ETFDH are known to be pathogenic (PMID: 16510302, 23785301). This variant is not present in population databases (gnomAD no frequency). This variant has not been reported in the literature in individuals affected with ETFDH-related conditions. ClinVar contains an entry for this variant (Variation ID: 1977109). Algorithms developed to predict the effect of sequence changes on RNA splicing suggest that this variant may disrupt the consensus splice site. In summary, the currently available evidence indicates that the variant is pathogenic, but additional data are needed to prove that conclusively. Therefore, this variant has been classified as Likely Pathogenic.

Literature cited by the submitters: PubMed 16199547 (cited by Labcorp Genetics (formerly Invitae), Labcorp); PubMed 16510302 (cited by Labcorp Genetics (formerly Invitae), Labcorp); PubMed 23785301 (cited by Labcorp Genetics (formerly Invitae), Labcorp).

NM_004453.4(ETFDH):c.831+2T>G

Gene: ETFDH (electron transfer flavoprotein dehydrogenase; plus strand). Cytogenetic location: 4q32.1.
Variant type: single nucleotide variant.
Coding change: c.831+2T>G on transcript NM_004453.4 (MANE Select); the canonical splice donor site of the intron after coding-DNA position 831, T replaced by G.
Molecular consequence: splice donor variant.
Genome position (GRCh38, 1-based): chr4:158,695,645, T>G. VCF-style: chr4-158695645-T-G. GRCh37 (hg19) VCF-style: chr4-159616797-T-G.
Other names: c.831+2T>G (NM_004453.3); c.690+2T>G (NM_001281737.2); c.648+2T>G (NM_001281738.1).
Identifiers: ClinVar variation 1977109 (VCV001977109.6), dbSNP rs150832878, ClinGen allele CA358560999.